The following is an entry in ClinVar:

NM_000268.4(NF2):c.1293G>A (p.Leu431=)

Gene: NF2 (NF2, moesin-ezrin-radixin like (MERLIN) tumor suppressor; plus strand). Cytogenetic location: 22q12.2.
Variant type: single nucleotide variant.
Coding change: c.1293G>A on transcript NM_000268.4 (MANE Select); coding-DNA position 1293, G replaced by A.
Protein change: p.Leu431=; no amino-acid change (leucine 431 retained).
Molecular consequence: synonymous variant. On other transcripts: non-coding transcript variant (1), intron variant (1).
Genome position (GRCh38, 1-based): chr22:29,673,439, G>A. VCF-style: chr22-29673439-G-A. GRCh37 (hg19) VCF-style: chr22-30069428-G-A.
Other names: c.1293G>A, p.Leu431= (NM_016418.5, NM_181825.3, NM_181832.3); c.1167G>A, p.Leu389= (NM_181828.3); c.1170G>A, p.Leu390= (NM_181829.3); c.1044G>A, p.Leu348= (NM_181830.3, NM_181831.3); c.448-21313G>A (NM_181833.3).
Identifiers: ClinVar variation 757851 (VCV000757851.33), dbSNP rs1340711783, ClinGen allele CA514186595.

ClinVar aggregate classification (germline): Likely benign. Review status: criteria provided, multiple submitters, no conflicts (2 of 4 stars). 3 submissions from 3 submitters: Likely benign (3). Last evaluated 2026-02-03.

Conditions:
Neurofibromatosis, type 2 (SWNV). Also called: NF2-Related Schwannomatosis; SCHWANNOMATOSIS, VESTIBULAR; BILATERAL ACOUSTIC NEUROFIBROMATOSIS. Identifiers: Orphanet 637, MedGen C0027832, MONDO:0007039, OMIM 101000. Disease mechanism: loss of function.
Hereditary cancer-predisposing syndrome. Also called: Hereditary Cancer Syndrome; Tumor predisposition; Hereditary neoplastic syndrome; Neoplastic Syndromes, Hereditary. Identifiers: Orphanet 140162, MedGen C0027672, MeSH D009386, MONDO:0015356.

Allele frequency attached by ClinVar (database versions not stated): gnomAD exomes below 0.00001.
gnomAD v4.1: 1 of 1,612,330 alleles (0.000062%); highest among the groups gnomAD compares: Admixed American, 0.0017%; no homozygotes.

Submissions (3):

Ambry Genetics
Classification: Likely benign for Hereditary cancer-predisposing syndrome. Last evaluated: 2026-02-03. Review status: criteria provided, single submitter. Criteria: Ambry Variant Classification Scheme 2023. Collection method: clinical testing. Allele origin: germline.

CeGaT Center for Human Genetics Tuebingen
Classification: Likely benign. Last evaluated: 2023-12-01. Review status: criteria provided, single submitter. Criteria: CeGaT Center For Human Genetics Tuebingen Variant Classification Criteria Version 2. Collection method: clinical testing. Allele origin: germline. Affected: yes. Observed: 1 variant allele.
Comment: NF2: BP4, BP7

Labcorp Genetics (formerly Invitae), Labcorp
Classification: Likely benign for Neurofibromatosis, type 2. Last evaluated: 2023-06-17. Review status: criteria provided, single submitter. Criteria: Invitae Variant Classification Sherloc (09022015). Collection method: clinical testing. Allele origin: germline.